The following is an entry in ClinVar:

NM_004304.5(ALK):c.2032G>A (p.Asp678Asn)

Gene: ALK (ALK receptor tyrosine kinase; minus strand). Cytogenetic location: 2p23.2.
Variant type: single nucleotide variant.
Coding change: c.2032G>A on transcript NM_004304.5 (MANE Select); coding-DNA position 2032, G replaced by A.
Protein change: p.Asp678Asn; replaces aspartic acid 678 with asparagine.
Molecular consequence: missense variant.
Genome position (GRCh38, 1-based): chr2:29,275,108, C>T on the plus strand (G>A on the coding strand, the complement: ALK is on the minus strand). VCF-style: chr2-29275108-C-T. GRCh37 (hg19) VCF-style: chr2-29497974-C-T.
Other names: short protein forms D678N.
Identifiers: ClinVar variation 1501343 (VCV001501343.11), dbSNP rs892131322, ClinGen allele CA346479581.

ClinVar aggregate classification (germline): Uncertain significance. Review status: criteria provided, multiple submitters, no conflicts (2 of 4 stars). 2 submissions from 2 submitters: Uncertain significance (2). Last evaluated 2026-01-21.

Conditions:
Neuroblastoma, susceptibility to, 3. Also called: ALK-Related Neuroblastic Tumor Susceptibility. Identifiers: Orphanet 635, MedGen C2751681, MONDO:0013083, OMIM 613014.
Hereditary cancer-predisposing syndrome. Also called: Tumor predisposition; Hereditary neoplastic syndrome; Neoplastic Syndromes, Hereditary; Hereditary Cancer Syndrome. Identifiers: Orphanet 140162, MedGen C0027672, MeSH D009386, MONDO:0015356.

gnomAD v4.1: 1 of 1,614,116 alleles (0.000062%); highest among the groups gnomAD compares: Non-Finnish European, 0.000085%; no homozygotes.

Submissions (2):

Labcorp Genetics (formerly Invitae), Labcorp
Classification: Uncertain significance for Neuroblastoma, susceptibility to, 3. Last evaluated: 2026-01-21. Review status: criteria provided, single submitter. Criteria: Invitae Variant Classification Sherloc (09022015). Collection method: clinical testing. Allele origin: germline.
Comment: This sequence change replaces aspartic acid, which is acidic and polar, with asparagine, which is neutral and polar, at codon 678 of the ALK protein (p.Asp678Asn). This variant is not present in population databases (gnomAD no frequency). This variant has not been reported in the literature in individuals affected with ALK-related conditions. ClinVar contains an entry for this variant (Variation ID: 1501343). An algorithm developed to predict the effect of missense changes on protein structure and function (PolyPhen-2) suggests that this variant is likely to be tolerated. In summary, the available evidence is currently insufficient to determine the role of this variant in disease. Therefore, it has been classified as a Variant of Uncertain Significance.

Ambry Genetics
Classification: Uncertain significance for Hereditary cancer-predisposing syndrome. Last evaluated: 2025-07-02. Review status: criteria provided, single submitter. Criteria: Ambry Variant Classification Scheme 2023. Collection method: clinical testing. Allele origin: germline.
Comment: The p.D678N variant (also known as c.2032G>A), located in coding exon 11 of the ALK gene, results from a G to A substitution at nucleotide position 2032. The aspartic acid at codon 678 is replaced by asparagine, an amino acid with highly similar properties. This amino acid position is conserved. In addition, this alteration is predicted to be tolerated by in silico analysis. Since supporting evidence is limited at this time, the clinical significance of this alteration remains unclear.